The following is an entry in ClinVar:

NM_001136472.2(LITAF):c.232A>T (p.Thr78Ser)

Gene: LITAF (lipopolysaccharide induced TNF factor; minus strand). Cytogenetic location: 16p13.13.
Variant type: single nucleotide variant.
Coding change: c.232A>T on transcript NM_001136472.2 (MANE Select); coding-DNA position 232, A replaced by T.
Protein change: p.Thr78Ser; replaces threonine 78 with serine.
Molecular consequence: missense variant. On other transcripts: non-coding transcript variant (1).
Genome position (GRCh38, 1-based): chr16:11,553,678, T>A on the plus strand (A>T on the coding strand, the complement: LITAF is on the minus strand). VCF-style: chr16-11553678-T-A. GRCh37 (hg19) VCF-style: chr16-11647534-T-A.
Other names: c.232A>T, p.Thr78Ser (NM_001136473.1, NM_004862.4); short protein forms T78S.
Identifiers: ClinVar variation 1526424 (VCV001526424.3), dbSNP rs200709345, ClinGen allele CA394766114.

ClinVar aggregate classification (germline): Likely pathogenic (1 of 4 stars; one submission).

Conditions:
Tip-toe gait. Also called: Toe walking. Identifiers: MedGen C0427144, HP:0030051.

gnomAD v4.1: 5 of 1,614,136 alleles (0.00031%); highest among the groups gnomAD compares: Non-Finnish European, 0.00042%; no homozygotes.

Submission:

Practice for Gait Abnormalities, David Pomarino, Competency Network Toe Walking C/o Practice Pomarino
Classification: Likely pathogenic for Tip-toe gait. Last evaluated: 2022-03-18. Review status: criteria provided, single submitter. Criteria: ACMG Guidelines, 2015. Collection method: clinical testing. Allele origin: germline. Affected: yes.
Comment: Hereditary motor sensory neuropathy (HMSN), also known as Charcot-Marie-Tooth Disease (CMT), is the most commonly inherited peripheral polyneuropathy. It constitutes a group of inherited, progressive, motor and sensory peripheral nerve disorders with properties of demyelination, axonal degeneration, or both. It is classified by clinical characteristics, modes of inheritance, electrophysiologic features, metabolic defects, and specific gene markers. Our patients all walk on tiptoe, so they show similar symptoms. When we genetically test them with our toe walking panel, we find that around 90 per cent of them have a genetic variant that explains their toe walking. These can be assigned, for example, to the area of myopathies (such as variants of the COL6A3 gene), the area of hereditary neuropathies (such as variants of the KMT2C gene) or the area of metabolic diseases (such as variants of the PYGM gene). In a smaller group of patients with almost identical symptoms, no abnormality is found in the genes of our panel, but spastic paraplegia can be detected. In another small group of our toe walkers, no abnormalities can be detected in the genes analysed in our toe walking panel, nor do they suffer from spastic paraplegia, as is also the case with healthy children. In contrast to these, however, they show a tiptoe gait. These patients suffer from infantile cerebral palsy, in which toe walking can also be observed.

Literature cited by the submitters: PubMed 37091313.